The following is an entry in ClinVar:

NC_000002.12:g.121531000T>G

Genes: CLASP1 (cytoplasmic linker associated protein 1; minus strand), CLASP1-AS1 (CLASP1 antisense RNA 1; plus strand), RNU4ATAC (RNA, U4atac small nuclear; plus strand). Cytogenetic location: 2q14.2.
Variant type: single nucleotide variant.
Molecular consequence: intron variant (on NM_001395891.1).
Genome position: GRCh38 VCF-style: chr2-121531000-T-G. GRCh37 (hg19) VCF-style: chr2-122288576-T-G.
Other names: c.196-675A>C (NM_001395891.1, NM_001378004.1, NM_001142273.2 and 5 more transcripts).
Identifiers: ClinVar variation 1485566 (VCV001485566.6), dbSNP rs905928272, ClinGen allele CA54811032.

ClinVar aggregate classification (germline): Conflicting classifications of pathogenicity. Review status: criteria provided, conflicting classifications (1 of 4 stars). 2 submissions from 2 submitters: Likely pathogenic (1); Uncertain significance (1). Last evaluated 2025-08-21.

Conditions:
RNU4ATAC spectrum disorder. Also called: RNU4atac-opathy. Identifiers: MedGen CN377746, MONDO:0100558.

Allele frequency attached by ClinVar (database versions not stated): gnomAD 0.00001.
gnomAD v4.1: 7 of 700,158 alleles (0.001%); highest among the groups gnomAD compares: African/African-American, 0.0018%; no homozygotes.

Submissions (2):

Broad Center for Mendelian Genomics, Broad Institute of MIT and Harvard
Classification: Likely pathogenic for RNU4ATAC spectrum disorder. Last evaluated: 2025-08-21. Review status: criteria provided, single submitter. Criteria: Ellingford et al. (Genome Med. 2022). Collection method: curation. Allele origin: germline. Inheritance: Autosomal recessive inheritance.
Comment: The n.121T>G variant in RNU4ATAC was identified by our study, in the compound heterozygous or homozygous state, in two individuals with RNU4ATAC spectrum disorder. This variant has not been previously reported in the literature in individuals with RNU4ATAC spectrum disorder, but has been has been identified in 0.002% (1/57138) of African/African American chromosomes by the Genome Aggregation Database (gnomAD; dbSNP ID: rs905928272). This variant has been reported in ClinVar (VCV001485566.5) and has been interpreted as a variant of uncertain significance by Labcorp Genetics. Of the two affected individuals, one was a compound heterozygote that carried a reported pathogenic variant in trans, which increases the likelihood that the n.121T>G variant is pathogenic (VCV000218083.44; PMID: 39802771). In vitro functional studies provide some evidence that the n.121T>G variant will impact splicing efficiency. However, these types of assays may not accurately represent biological function. The n.121T>G variant is located in the Sm protein binding region of RNU4ATAC where several other variants have been identified, suggesting that this variant is in a functional domain and supports pathogenicity (PMID: 26522830, 32628740). In summary, although additional studies are required to fully establish its clinical significance, this variant is likely pathogenic for autosomal recessive RNU4ATAC spectrum disorder. ACMG/AMP Criteria applied: PS3, PM1, PM3, PM2_supporting (Richards 2015).

Labcorp Genetics (formerly Invitae), Labcorp
Classification: Uncertain significance. Last evaluated: 2024-04-25. Review status: criteria provided, single submitter. Criteria: Invitae Variant Classification Sherloc (09022015). Collection method: clinical testing. Allele origin: germline.
Comment: This variant occurs in the RNU4ATAC gene, which encodes an RNA molecule that does not result in a protein product. This variant is present in population databases (no rsID available, gnomAD 0.002%). This variant has not been reported in the literature in individuals affected with RNU4ATAC-related conditions. ClinVar contains an entry for this variant (Variation ID: 1485566). This variant is located within the Sm protein-binding region of the RNU4ATAC RNA, which is important for small nuclear RNA maturation (PMID: 32628740). A significant number of disease-associated RNU4ATAC variants are found in this region (PMID: 32628740, 30368667). In summary, the available evidence is currently insufficient to determine the role of this variant in disease. Therefore, it has been classified as a Variant of Uncertain Significance.

Literature cited by the submitters: PubMed 32628740 (cited by Labcorp Genetics (formerly Invitae), Labcorp); PubMed 30368667 (cited by Labcorp Genetics (formerly Invitae), Labcorp).